The following is an entry in ClinVar:

ClinVar aggregate classification (germline): Uncertain significance (1 of 4 stars; one submission).

Conditions:
Autosomal dominant nonsyndromic hearing loss 65. Also called: Deafness, autosomal dominant 65; TBC1D24-Related Autosomal Dominant Nonsyndromic Hearing Loss (DFNA). Identifiers: Orphanet 90635, MedGen C3892048, MONDO:0014470, OMIM 616044.
Developmental and epileptic encephalopathy, 1 (DEE1). Also called: Epileptic encephalopathy, early infantile, 1; X-linked infantile spasms; West's syndrome; Tonic spasms with clustering, arrest of psychomotor development and hypsarrhythmia on EEG; X-Linked Infantile Spasm Syndrome; OHTAHARA SYNDROME, X-LINKED. Identifiers: MedGen C3463992, MONDO:0010632, OMIM 308350. Disease mechanism: loss of function.

Allele frequency attached by ClinVar (database versions not stated): gnomAD exomes below 0.00001; TOPMed 0.00001; gnomAD 0.00001.
gnomAD v4.1: 3 of 1,559,362 alleles (0.00019%); highest among the groups gnomAD compares: African/African-American, 0.0027%; no homozygotes.

Submission:

Labcorp Genetics (formerly Invitae), Labcorp
Classification: Uncertain significance for Developmental and epileptic encephalopathy, 1; Autosomal dominant nonsyndromic hearing loss 65. Last evaluated: 2024-12-24. Review status: criteria provided, single submitter. Criteria: Invitae Variant Classification Sherloc (09022015). Collection method: clinical testing. Allele origin: germline.
Comment: This sequence change affects codon 508 of the TBC1D24 mRNA. It is a 'silent' change, meaning that it does not change the encoded amino acid sequence of the TBC1D24 protein. It affects a nucleotide within the consensus splice site. This variant is present in population databases (no rsID available, gnomAD no frequency). This variant has not been reported in the literature in individuals affected with TBC1D24-related conditions. ClinVar contains an entry for this variant (Variation ID: 576356). Algorithms developed to predict the effect of sequence changes on RNA splicing suggest that this variant is not likely to affect RNA splicing. In summary, the available evidence is currently insufficient to determine the role of this variant in disease. Therefore, it has been classified as a Variant of Uncertain Significance.

NM_001199107.2(TBC1D24):c.1524C>T (p.Val508=)

Gene: TBC1D24 (TBC1 domain family member 24; plus strand). Cytogenetic location: 16p13.3.
Variant type: single nucleotide variant.
Coding change: c.1524C>T on transcript NM_001199107.2 (MANE Select); coding-DNA position 1524, C replaced by T.
Protein change: p.Val508=; no amino-acid change (valine 508 retained).
Molecular consequence: synonymous variant.
Genome position (GRCh38, 1-based): chr16:2,500,489, C>T. VCF-style: chr16-2500489-C-T. GRCh37 (hg19) VCF-style: chr16-2550490-C-T.
Other names: c.1506C>T, p.Val502= (NM_020705.3).
Identifiers: ClinVar variation 576356 (VCV000576356.7), dbSNP rs1333624924, ClinGen allele CA493164603.
Genomic context (GRCh38, chr16:2,500,489, plus strand): 5'-CAACCTGCCCTCCAAGACCGAGTCCATGTTCATGGCGGGGGGCAGCGACTGCCTCATCGT[C>T]GGTGAGCGCCAGCAGACGGGGCTCTGGGATGAGGGTGTGGGGTCCGGGCAGCTGAAGCTG-3'
Protein context (NP_001186036.1, residues 498-518): FMAGGSDCLI[Val508=]GGGGGQALYI